The following is an entry in ClinVar:

ClinVar aggregate classification (germline): Pathogenic (1 of 4 stars; one submission).

Conditions:
Rubinstein-Taybi syndrome due to CREBBP mutations (RSTS1). Also called: BROAD THUMBS AND GREAT TOES, CHARACTERISTIC FACIES, AND IMPAIRED INTELLECTUAL DEVELOPMENT; BROAD THUMB-HALLUX SYNDROME; CREBBP-Related Rubinstein-Taybi Syndrome; RUBINSTEIN SYNDROME; RUBINSTEIN-TAYBI SYNDROME 1, INCOMPLETE; Rubinstein-Taybi syndrome 1. Identifiers: Orphanet 353277, Orphanet 783, MedGen C4551859, MONDO:0008393, OMIM 180849.

Submission:

Broad Center for Mendelian Genomics, Broad Institute of MIT and Harvard
Classification: Pathogenic for Rubinstein-Taybi syndrome due to CREBBP mutations. Last evaluated: 2023-08-24. Review status: criteria provided, single submitter. Criteria: ACMG/ClinGen CNV Guidelines, 2019. Collection method: research. Allele origin: de novo. Inheritance: Autosomal dominant inheritance. Affected: yes.
Comment: A confirmed de novo heterozygous deletion of exon 2 in CREBBP (NM_004380.3) was identified by exome sequencing and confirmed by targeted chromosomal microarray of the CREBBP gene in one individual with Rubinstein-Taybi syndrome ([GRCh38] chr16:3818098_3858843x1)(PMID: 34740920). The patient phenotype is nonspecific, but is consistent with cases described in the literature and/or published databases with overlapping variants. This exon deletion has also been reported in the literature in one individual with Rubinstein-Taybi syndrome (PMID: 20583168). This intragenic variant is predicted to cause a frameshift, which alters the protein’s amino acid sequence beginning at exon 2 and leads to a premature termination codon. This alteration is then predicted to lead to a truncated or absent. The CREBBP gene is known to be haploinsufficient, and has been assessed by the ClinGen Dosage Sensitivity Working Group. In summary, this variant meets criteria to be classified as pathogenic for autosomal dominant Rubinstein-Taybi syndrome. The ACMG/ClinGen evidence codes and points used in this curation are as follows: 1: 0 points, 2: 0.90 points, 3: 0 points, 4-5: 0.25 points; Total: 1.20 points; Riggs 2020 (PMID: 31690835).

Literature cited by the submitters: PubMed 34740920; PubMed 20583168.

GRCh38/hg38 16p13.3(chr16:3818098-3858843)x1

Gene: CREBBP (CREB binding lysine acetyltransferase; minus strand). Cytogenetic location: 16p13.3.
Variant type: copy number loss.
Change: copy number 1 (one copy instead of two) of chr16:3,818,098-3,858,843 (40.7 kb, GRCh38 coordinates, 1-based), cytogenetic band 16p13.3.
Identifiers: ClinVar variation 2579185 (VCV002579185.1).